The following is an entry in ClinVar:

NM_001278116.2(L1CAM):c.3453C>G (p.Tyr1151Ter)

Gene: L1CAM (L1 cell adhesion molecule; minus strand). Cytogenetic location: Xq28.
Variant type: single nucleotide variant.
Coding change: c.3453C>G on transcript NM_001278116.2 (MANE Select); coding-DNA position 3453, C replaced by G.
Protein change: p.Tyr1151Ter; replaces tyrosine 1151 with a stop codon.
Molecular consequence: nonsense.
Genome position (GRCh38, 1-based): chrX:153,863,887, G>C on the plus strand (C>G on the coding strand, the complement: L1CAM is on the minus strand). VCF-style: chrX-153863887-G-C. GRCh37 (hg19) VCF-style: chrX-153129342-G-C.
Other names: c.3453C>G, p.Tyr1151Ter (NM_000425.5, NM_024003.3); c.3438C>G, p.Tyr1146Ter (NM_001143963.2); short protein forms Y1146*, Y1151*.
Identifiers: ClinVar variation 5014023 (VCV005014023.1).

ClinVar aggregate classification (germline): Pathogenic (1 of 4 stars; one submission).

Conditions:
L1 syndrome. Identifiers: Orphanet 275543, MedGen C5779710, MONDO:0017140.

Submission:

Myriad Genetics, Inc.
Classification: Pathogenic for L1 syndrome. Last evaluated: 2025-01-26. Review status: criteria provided, single submitter. Criteria: Myriad Autosomal Dominant, Autosomal Recessive and X-Linked Classification Criteria (2023). Collection method: clinical testing. Allele origin: unknown.
Comment: NM_001278116.1(L1CAM):c.3453C>G(Y1151*) is expected to be pathogenic in the context of L1 syndrome. This variant is predicted to lead to an abnormal or absent protein product due to the creation of a premature termination codon in L1CAM, a gene where loss-of-function variants are known to be pathogenic. Please note: this variant was assessed in the context of healthy population screening.